The following is an entry in ClinVar:

NM_020366.4(RPGRIP1):c.1457C>T (p.Thr486Ile)

Gene: RPGRIP1 (RPGR interacting protein 1; plus strand). Cytogenetic location: 14q11.2.
Variant type: single nucleotide variant.
Coding change: c.1457C>T on transcript NM_020366.4 (MANE Select); coding-DNA position 1457, C replaced by T.
Protein change: p.Thr486Ile; replaces threonine 486 with isoleucine.
Molecular consequence: missense variant. On other transcripts: 5 prime UTR variant (1).
Genome position (GRCh38, 1-based): chr14:21,320,167, C>T. VCF-style: chr14-21320167-C-T. GRCh37 (hg19) VCF-style: chr14-21788326-C-T.
Other names: c.383C>T, p.Thr128Ile (NM_001377523.1, NM_001377948.1, NM_001377949.1 and 1 more transcripts); c.-116C>T (NM_001377951.1); short protein forms T128I, T486I.
Identifiers: ClinVar variation 1025940 (VCV001025940.8), dbSNP rs1882245032, ClinGen allele CA388864903.
Genomic context (GRCh38, chr14:21,320,167, plus strand): 5'-CCCAACCTCCTGACAGGCAATCTGAACCAGCCACTCACCCAGCTGTATTGCAAGAGAACA[C>T]TCAGATCGAGGTAAGAGCCTCTTTAAACAAACTAGTCCACTCTGCAGAGAGATCTCTGGC-3'
Protein context (NP_065099.3, residues 476-496): ATHPAVLQEN[Thr486Ile]QIEPSEPKNQ

ClinVar aggregate classification (germline): Uncertain significance (1 of 4 stars; one submission).

Conditions:
Cone-rod dystrophy 13 (CORD13). Identifiers: Orphanet 1872, MedGen C2750720, MONDO:0011987, OMIM 608194.
Leber congenital amaurosis 6 (LCA6). Identifiers: Orphanet 65, MedGen C1854260, MONDO:0013446, OMIM 613826.

Allele frequency attached by ClinVar (database versions not stated): gnomAD exomes below 0.00001.
gnomAD v4.1: 1 of 1,613,852 alleles (0.000062%); highest among the groups gnomAD compares: Admixed American, 0.0017%; no homozygotes.

Submission:

Labcorp Genetics (formerly Invitae), Labcorp
Classification: Uncertain significance for Leber congenital amaurosis 6; Cone-rod dystrophy 13. Last evaluated: 2022-08-15. Review status: criteria provided, single submitter. Criteria: Invitae Variant Classification Sherloc (09022015). Collection method: clinical testing. Allele origin: germline.
Comment: This sequence change replaces threonine, which is neutral and polar, with isoleucine, which is neutral and non-polar, at codon 486 of the RPGRIP1 protein (p.Thr486Ile). This variant is not present in population databases (gnomAD no frequency). This variant has not been reported in the literature in individuals affected with RPGRIP1-related conditions. ClinVar contains an entry for this variant (Variation ID: 1025940). Algorithms developed to predict the effect of missense changes on protein structure and function output the following: SIFT: "Tolerated"; PolyPhen-2: "Benign"; Align-GVGD: "Class C0". The isoleucine amino acid residue is found in multiple mammalian species, which suggests that this missense change does not adversely affect protein function. In summary, the available evidence is currently insufficient to determine the role of this variant in disease. Therefore, it has been classified as a Variant of Uncertain Significance.